The following is an entry in ClinVar:

ClinVar aggregate classification (germline): Likely benign. Review status: criteria provided, multiple submitters, no conflicts (2 of 4 stars). 5 submissions from 5 submitters: Likely benign (5). Last evaluated 2025-08-24.

Conditions:
Hereditary breast ovarian cancer syndrome. Also called: Hereditary breast and ovarian cancer syndrome (HBOC); Hereditary breast and ovarian cancer syndrome; Breast and ovarian cancer; Hereditary breast and/or ovarian cancer syndrome; Hereditary breast and ovarian cancer; BRCA1- and BRCA2-Associated Hereditary Breast and Ovarian Cancer. Identifiers: Orphanet 145, MedGen C0677776, MeSH D061325, MONDO:0003582. Disease mechanism: loss of function.
Hereditary cancer-predisposing syndrome. Also called: Neoplastic Syndromes, Hereditary; Hereditary Cancer Syndrome; Hereditary neoplastic syndrome; Tumor predisposition. Identifiers: Orphanet 140162, MedGen C0027672, MeSH D009386, MONDO:0015356.

Submissions (5):

Color Diagnostics, LLC DBA Color Health
Classification: Likely benign for Hereditary cancer-predisposing syndrome. Last evaluated: 2025-08-24. Review status: criteria provided, single submitter. Criteria: ACMG Guidelines, 2015. Collection method: clinical testing. Allele origin: germline.

Labcorp Genetics (formerly Invitae), Labcorp
Classification: Likely benign for Hereditary breast ovarian cancer syndrome. Last evaluated: 2024-05-10. Review status: criteria provided, single submitter. Criteria: Invitae Variant Classification Sherloc (09022015). Collection method: clinical testing. Allele origin: germline.

Ambry Genetics
Classification: Likely benign for Hereditary cancer-predisposing syndrome. Last evaluated: 2022-02-15. Review status: criteria provided, single submitter. Criteria: Ambry Variant Classification Scheme 2023. Collection method: clinical testing. Allele origin: germline.

Women's Health and Genetics/Laboratory Corporation of America, LabCorp
Classification: Likely benign. Last evaluated: 2019-10-11. Review status: criteria provided, single submitter. Criteria: LabCorp Variant Classification Summary - May 2015. Collection method: clinical testing. Allele origin: germline.

GeneDx
Classification: Likely benign. Last evaluated: 2018-01-19. Review status: criteria provided, single submitter. Criteria: GeneDx Variant Classification (06012015). Collection method: clinical testing. Allele origin: germline. Affected: yes.
Comment: This variant is considered likely benign or benign based on one or more of the following criteria: it is a conservative change, it occurs at a poorly conserved position in the protein, it is predicted to be benign by multiple in silico algorithms, and/or has population frequency not consistent with disease.

NM_000059.4(BRCA2):c.201G>A (p.Arg67=)

Gene: BRCA2 (BRCA2 DNA repair associated; plus strand). Cytogenetic location: 13q13.1.
Variant type: single nucleotide variant.
Coding change: c.201G>A on transcript NM_000059.4 (MANE Select); coding-DNA position 201, G replaced by A.
Protein change: p.Arg67=; no amino-acid change (arginine 67 retained).
Molecular consequence: synonymous variant.
Genome position (GRCh38, 1-based): chr13:32,319,210, G>A. VCF-style: chr13-32319210-G-A. GRCh37 (hg19) VCF-style: chr13-32893347-G-A.
Identifiers: ClinVar variation 462253 (VCV000462253.15), dbSNP rs1012688095, ClinGen allele CA247481118.